The following is an entry in ClinVar:

NC_000023.10:g.(?_31838072)_(32563471_?)dup

Genes: DMD (dystrophin; minus strand), LOC129391296 (MPRA-validated peak7373 silencer; plus strand), LOC129391297 (MPRA-validated peak7374 silencer; plus strand). Cytogenetic location: Xp21.1.
Variant type: Duplication.
Identifiers: ClinVar variation 526177 (VCV000526177.10).

ClinVar aggregate classification (germline): Likely pathogenic (1 of 4 stars; one submission).

Conditions:
Duchenne muscular dystrophy (DMD). Also called: Duchenne Muscular Dystrophy (DMD); MUSCULAR DYSTROPHY, PSEUDOHYPERTROPHIC PROGRESSIVE, DUCHENNE TYPE. Identifiers: Orphanet 98896, MedGen C0013264, MONDO:0010679, OMIM 310200.

Submission:

Labcorp Genetics (formerly Invitae), Labcorp
Classification: Likely pathogenic for Duchenne muscular dystrophy. Last evaluated: 2022-10-13. Review status: criteria provided, single submitter. Criteria: Invitae Variant Classification Sherloc (09022015). Collection method: clinical testing. Allele origin: germline.
Comment: In summary, the currently available evidence indicates that the variant is pathogenic, but additional data are needed to prove that conclusively. Therefore, this variant has been classified as Likely Pathogenic. This variant has not been reported in the literature in individuals affected with DMD-related conditions. This variant results in a copy number gain of the genomic region encompassing exon(s) 17-50 of the DMD gene. While the exact position of this variant cannot be determined from the data, sub-genic copy number gains are generally in tandem (PMID: 25640679). This variant is predicted to be out-of-frame, and may result in an absent or disrupted protein product. Loss-of-function variants in DMD are known to be pathogenic (PMID: 16770791, 25007885).

Literature cited by the submitters: PubMed 25640679; PubMed 16770791; PubMed 25007885.